The following is an entry in ClinVar:

ClinVar aggregate classification (germline): Likely benign. Review status: criteria provided, multiple submitters, no conflicts (2 of 4 stars). 3 submissions from 3 submitters: Likely benign (3). Last evaluated 2026-06-21.

Conditions:
MAP3K8-related disorder. Also called: MAP3K8-related condition.

Allele frequency attached by ClinVar (database versions not stated): ExAC 0.00002; gnomAD exomes 0.00004; ESP Exome Variant Server 0.00008; gnomAD 0.00008; TOPMed 0.00008; 1000 Genomes Project 30x 0.00016; 1000 Genomes Project 0.00020.
gnomAD v4.1: 184 of 1,613,636 alleles (0.011%); highest among the groups gnomAD compares: Non-Finnish European, 0.014%; no homozygotes.

Submissions (3):

PreventionGenetics, part of Exact Sciences
Classification: Likely benign for MAP3K8-related condition. Last evaluated: 2026-06-21. Review status: criteria provided, single submitter. Criteria: ACMG Guidelines, 2015. Collection method: clinical testing. Allele origin: germline.
Comment: This variant is classified as likely benign based on ACMG/AMP sequence variant interpretation guidelines (Richards et al. 2015 PMID: 25741868, with internal and published modifications).

Labcorp Genetics (formerly Invitae), Labcorp
Classification: Likely benign. Last evaluated: 2025-02-19. Review status: criteria provided, single submitter. Criteria: Invitae Variant Classification Sherloc (09022015). Collection method: clinical testing. Allele origin: germline.

Blueprint Genetics
Classification: Likely benign. Last evaluated: 2024-10-02. Review status: criteria provided, single submitter. Criteria: ACMG Guidelines, 2015. Collection method: clinical testing. Allele origin: germline.

NM_005204.4(MAP3K8):c.441C>T (p.Gly147=)

Gene: MAP3K8 (mitogen-activated protein kinase kinase kinase 8; plus strand). Cytogenetic location: 10p11.23.
Variant type: single nucleotide variant.
Coding change: c.441C>T on transcript NM_005204.4 (MANE Select); coding-DNA position 441, C replaced by T.
Protein change: p.Gly147=; no amino-acid change (glycine 147 retained).
Molecular consequence: synonymous variant.
Genome position (GRCh38, 1-based): chr10:30,447,886, C>T. VCF-style: chr10-30447886-C-T. GRCh37 (hg19) VCF-style: chr10-30736815-C-T.
Other names: c.441C>T (NM_005204.3); c.441C>T, p.Gly147= (NM_001244134.1, NM_001320961.2).
Identifiers: ClinVar variation 1573627 (VCV001573627.10), dbSNP rs200843234, ClinGen allele CA5459666.